The following is an entry in ClinVar:

ClinVar aggregate classification (germline): Conflicting classifications of pathogenicity. Review status: criteria provided, conflicting classifications (1 of 4 stars). 2 submissions from 2 submitters: Uncertain significance (1); Likely benign (1). Last evaluated 2025-01-06.

Conditions:
Neurodevelopmental disorder with hypotonia, impaired language, and dysmorphic features. Also called: Intellectual disability, autosomal dominant 40. Identifiers: Orphanet 692193, MedGen C5676894, MONDO:0014699, OMIM 616579.

Allele frequency attached by ClinVar (database versions not stated): TOPMed 0.00010; gnomAD 0.00010; ESP Exome Variant Server 0.00008; ExAC 0.00014; gnomAD exomes 0.00023.
gnomAD v4.1: 359 of 1,610,758 alleles (0.022%); highest among the groups gnomAD compares: Non-Finnish European, 0.026%; no homozygotes.

Submissions (2):

Labcorp Genetics (formerly Invitae), Labcorp
Classification: Likely benign. Last evaluated: 2025-01-06. Review status: criteria provided, single submitter. Criteria: Invitae Variant Classification Sherloc (09022015). Collection method: clinical testing. Allele origin: germline.

Genetics and Molecular Pathology, SA Pathology
Classification: Uncertain significance for Neurodevelopmental disorder with hypotonia, impaired language, and dysmorphic features. Last evaluated: 2021-12-13. Review status: criteria provided, single submitter. Criteria: ACMG Guidelines, 2015. Collection method: clinical testing. Allele origin: germline. Affected: yes.
Comment: The KMT2E c.658G>A variant is classified as VUS

NM_182931.3(KMT2E):c.658G>A (p.Val220Ile)

Gene: KMT2E (lysine methyltransferase 2E (inactive); plus strand). Cytogenetic location: 7q22.3.
Variant type: single nucleotide variant.
Coding change: c.658G>A on transcript NM_182931.3 (MANE Select); coding-DNA position 658, G replaced by A.
Protein change: p.Val220Ile; replaces valine 220 with isoleucine.
Molecular consequence: missense variant.
Genome position (GRCh38, 1-based): chr7:105,074,744, G>A. VCF-style: chr7-105074744-G-A. GRCh37 (hg19) VCF-style: chr7-104715191-G-A.
Other names: c.658G>A, p.Val220Ile (NM_001410908.1, NM_018682.4); short protein forms V220I.
Identifiers: ClinVar variation 1803267 (VCV001803267.6), dbSNP rs201601985, ClinGen allele CA4423764.
Genomic context (GRCh38, chr7:105,074,744, plus strand): 5'-GTGGAATTATATACTGCATTTCAGCATACTCCAACATCAATTACTTTAACTGCTTCAAGA[G>A]TTTCCAAAGTTAATGATAAAAGAAGGAAAAAAAGCGGGGAGAAAGAACAACACATTTCAA-3'
Protein context (NP_891847.1, residues 210-230): PTSITLTASR[Val220Ile]SKVNDKRRKK